The following is an entry in ClinVar:

NM_198586.3(NHLRC1):c.691G>A (p.Val231Ile)

Gene: NHLRC1 (NHL repeat containing E3 ubiquitin protein ligase 1; minus strand). Cytogenetic location: 6p22.3.
Variant type: single nucleotide variant.
Coding change: c.691G>A on transcript NM_198586.3 (MANE Select); coding-DNA position 691, G replaced by A.
Protein change: p.Val231Ile; replaces valine 231 with isoleucine.
Molecular consequence: missense variant.
Genome position (GRCh38, 1-based): chr6:18,121,916, C>T on the plus strand (G>A on the coding strand, the complement: NHLRC1 is on the minus strand). VCF-style: chr6-18121916-C-T. GRCh37 (hg19) VCF-style: chr6-18122147-C-T.
Other names: short protein forms V231I.
Identifiers: ClinVar variation 410972 (VCV000410972.12), dbSNP rs1060503098, ClinGen allele CA16612111.

ClinVar aggregate classification (germline): Uncertain significance (1 of 4 stars; one submission).

Conditions:
Lafora disease. Also called: Progressive Myoclonus Epilepsy, Lafora Type; Epilepsy progressive myoclonic 2. Identifiers: Orphanet 501, MedGen C0751783, MONDO:0009697.

Allele frequency attached by ClinVar (database versions not stated): gnomAD exomes below 0.00001.
gnomAD v4.1: 1 of 1,614,210 alleles (0.000062%); highest among the groups gnomAD compares: Non-Finnish European, 0.000085%; no homozygotes.

Submission:

Labcorp Genetics (formerly Invitae), Labcorp
Classification: Uncertain significance for Lafora disease. Last evaluated: 2019-10-20. Review status: criteria provided, single submitter. Criteria: Invitae Variant Classification Sherloc (09022015). Collection method: clinical testing. Allele origin: germline.
Comment: In summary, this variant is a novel missense change with uncertain impact on protein function. It has been classified as a Variant of Uncertain Significance. Algorithms developed to predict the effect of missense changes on protein structure and function (SIFT, PolyPhen-2, Align-GVGD) all suggest that this variant is likely to be disruptive, but these predictions have not been confirmed by published functional studies. This variant is not present in population databases (ExAC no frequency) and has not been reported in the literature in individuals with a NHLRC1-related disease. This sequence change replaces valine with isoleucine at codon 231 of the NHLRC1 protein (p.Val231Ile). The valine residue is highly conserved and there is a small physicochemical difference between valine and isoleucine.